The following is an entry in ClinVar:

ClinVar aggregate classification (germline): Likely pathogenic. Review status: reviewed by expert panel (3 of 4 stars). 9 submissions from 9 submitters: Likely pathogenic (1). 8 of the submissions do not count toward it. Last evaluated 2025-01-09.

Conditions:
Autosomal recessive limb-girdle muscular dystrophy. Identifiers: Orphanet 102015, MedGen C2931907, MONDO:0015152.
Autosomal recessive limb-girdle muscular dystrophy type 2D (LGMDR3). Also called: ADHALINOPATHY, PRIMARY; DUCHENNE-LIKE AUTOSOMAL RECESSIVE MUSCULAR DYSTROPHY, TYPE 2; MUSCULAR DYSTROPHY, LIMB-GIRDLE, AUTOSOMAL RECESSIVE 3. Identifiers: Orphanet 62, MedGen C2936332, MONDO:0011968, OMIM 608099. Disease mechanism: Affects gamma-sarcoglycan and also disrupts the integrity of the entire sarcoglycan complex..

Allele frequency attached by ClinVar (database versions not stated): gnomAD exomes below 0.00001 and 0.00001; ExAC 0.00001; TOPMed 0.00003; gnomAD 0.00002.
gnomAD v4.1: 22 of 1,614,072 alleles (0.0014%); highest among the groups gnomAD compares: Admixed American, 0.0017%; no homozygotes.

Submissions (9):

ClinGen Limb Girdle Muscular Dystrophy Variant Curation Expert Panel, ClinGen
Classification: Likely pathogenic for Autosomal recessive limb-girdle muscular dystrophy. Last evaluated: 2025-01-09. Review status: reviewed by expert panel. Criteria: ClinGen LGMD VCEP ACMG Specifications SGCA V1.0.0. Collection method: curation. Allele origin: germline. Inheritance: Autosomal recessive inheritance.
Comment: The NM_000023.4: c.100C>T variant in SGCA is a missense variant predicted to cause substitution of arginine by cysteine at amino acid 34 (p.Arg34Cys). At least one patient with this variant displayed progressive muscle weakness and significantly reduced alpha-sarcoglycan protein expression, which is highly specific for SGCA-related LGMD (PP4_Strong; PMID: 7663524, 21031578, Washington University internal clinic data communication). The variant has also been reported to segregate with autosomal recessive limb girdle muscular dystrophy in one affected family member (PP1; PMID: 7663524). The highest population minor allele frequency in gnomAD v2.1.1 is 0.000009 (1/113724 alleles) in the European (non-Finnish) population, which is lower than the ClinGen LGMD VCEP threshold (0.00009) for PM2_Supporting, meeting this criterion (PM2_Supporting). Another missense variant at the same codon, c.101G>A (p.Arg34His), has been classified as likely pathogenic for autosomal recessive limb girdle muscular dystrophy by the ClinGen LGMD VCEP (PM5_Supporting). In summary, this variant meets the criteria to be classified as Likely Pathogenic for autosomal recessive limb girdle muscular dystrophy based on the ACMG/AMP criteria applied, as specified by the ClinGen LGMD VCEP (LGMD VCEP specifications version 1.0.0; 01/09/2025): PM3_Supporting, PP4_Strong, PM5_Supporting, PP3, PM2_Supporting, PP1.

GeneDx
Classification: Likely pathogenic. Last evaluated: 2026-09-24. Review status: criteria provided, single submitter. Criteria: GeneDx Variant Classification Process June 2021. Collection method: clinical testing. Allele origin: germline. Not counted in ClinVar's aggregate classification.
Comment: Observed with a second variant (phase unknown) in patients with clinical features consistent with a SGCA-related disorder referred for genetic testing at GeneDx and in published literature (PMID: 27906075); In silico analysis suggests that this missense variant does not alter protein structure/function; Not observed at significant frequency in large population cohorts (gnomAD); This variant is associated with the following publications: (PMID: 9153448, 19781108, 9192266, 26944168, 30564623, 21031578, 27906075, 32528171, 39663450, 7663524, 40388540, Lekshmi2022[casereport], 39678382, 29382405)

Natera, Inc.
Classification: Likely pathogenic for Limb-girdle muscular dystrophy type 2D. Last evaluated: 2025-12-17. Review status: criteria provided, single submitter. Criteria: Natera Variant Classification Schema (03/2026). Collection method: clinical testing. Allele origin: germline. Not counted in ClinVar's aggregate classification.
Comment: The c.100C>T variant in SGCA is a missense variant predicted to cause substitution of arginine to cysteine at amino acid 34. This variant is rare in the general population with a frequency below the threshold expected for the associated phenotype(s). This variant has been observed in one or more individuals affected with the associated recessive disease, as either homozygous or compound heterozygous with a second variant (PMID: 29382405, 39678382, 9192266). A different variant at the same position has been determined to be Pathogenic or Likely Pathogenic. Computational prediction algorithms indicate this variant is likely to affect gene or protein function. Given the available evidence, this variant is classified as Likely Pathogenic.

Labcorp Genetics (formerly Invitae), Labcorp
Classification: Pathogenic for Autosomal recessive limb-girdle muscular dystrophy type 2D. Last evaluated: 2025-09-19. Review status: criteria provided, single submitter. Criteria: Invitae Variant Classification Sherloc (09022015). Collection method: clinical testing. Allele origin: germline. Not counted in ClinVar's aggregate classification.
Comment: This sequence change replaces arginine, which is basic and polar, with cysteine, which is neutral and slightly polar, at codon 34 of the SGCA protein (p.Arg34Cys). This variant is present in population databases (rs758647756, gnomAD 0.0009%). This missense change has been observed in individuals with limb-girdle muscular dystrophy (PMID: 9192266, 21031578, 27906075, 32528171). ClinVar contains an entry for this variant (Variation ID: 217250). Invitae Evidence Modeling of protein sequence and biophysical properties (such as structural, functional, and spatial information, amino acid conservation, physicochemical variation, residue mobility, and thermodynamic stability) indicates that this missense variant is expected to disrupt SGCA protein function with a positive predictive value of 95%. This variant disrupts the p.Arg34 amino acid residue in SGCA. Other variant(s) that disrupt this residue have been determined to be pathogenic (PMID: 7663524, 9032047, 26944168). This suggests that this residue is clinically significant, and that variants that disrupt this residue are likely to be disease-causing. For these reasons, this variant has been classified as Pathogenic.

Fulgent Genetics
Classification: Likely pathogenic for Autosomal recessive limb-girdle muscular dystrophy type 2D. Last evaluated: 2024-06-21. Review status: criteria provided, single submitter. Criteria: ACMG Guidelines, 2015. Collection method: clinical testing. Allele origin: germline. Not counted in ClinVar's aggregate classification.

Revvity Omics, Revvity
Classification: Pathogenic for Autosomal recessive limb-girdle muscular dystrophy type 2D. Last evaluated: 2024-04-23. Review status: criteria provided, single submitter. Criteria: ACMG Guidelines, 2015. Collection method: clinical testing. Allele origin: germline. Not counted in ClinVar's aggregate classification.

Genome-Nilou Lab
Classification: Likely pathogenic for Autosomal recessive limb-girdle muscular dystrophy type 2D. Last evaluated: 2023-02-08. Review status: criteria provided, single submitter. Criteria: ACMG Guidelines, 2015. Collection method: clinical testing. Allele origin: germline. Not counted in ClinVar's aggregate classification.

Eurofins Ntd Llc (ga)
Classification: Pathogenic. Last evaluated: 2018-07-20. Review status: criteria provided, single submitter. Criteria: EGL ClinVar v180209 classification definitions. Collection method: clinical testing. Allele origin: germline. Observed: 2 variant alleles, 1 heterozygote, 1 homozygote. Not counted in ClinVar's aggregate classification.

Athena Diagnostics
Classification: Pathogenic for Limb-girdle muscular dystrophy, type 2D. Last evaluated: 2012-12-31. Review status: criteria provided, single submitter. Criteria: Athena Diagnostics Criteria. Collection method: clinical testing. Allele origin: germline. Inheritance: Autosomal recessive inheritance. Not counted in ClinVar's aggregate classification.

Literature cited by the submitters: PubMed 29382405 (cited by Natera, Inc.); PubMed 39678382 (cited by Natera, Inc.); PubMed 9192266 (cited by 4 submitters); PubMed 21031578 (cited by Labcorp Genetics (formerly Invitae), Labcorp); PubMed 27906075 (cited by Labcorp Genetics (formerly Invitae), Labcorp); PubMed 32528171 (cited by Labcorp Genetics (formerly Invitae), Labcorp); PubMed 7663524 (cited by Labcorp Genetics (formerly Invitae), Labcorp); PubMed 9032047 (cited by Labcorp Genetics (formerly Invitae), Labcorp); PubMed 26944168 (cited by Labcorp Genetics (formerly Invitae), Labcorp); PubMed 9153448 (cited by Eurofins Ntd Llc (ga) and Athena Diagnostics).

NM_000023.4(SGCA):c.100C>T (p.Arg34Cys)

Gene: SGCA (sarcoglycan alpha; plus strand). Cytogenetic location: 17q21.33.
Variant type: single nucleotide variant.
Coding change: c.100C>T on transcript NM_000023.4 (MANE Select); coding-DNA position 100, C replaced by T.
Protein change: p.Arg34Cys; replaces arginine 34 with cysteine.
Molecular consequence: missense variant. On other transcripts: non-coding transcript variant (1).
Genome position (GRCh38, 1-based): chr17:50,167,430, C>T. VCF-style: chr17-50167430-C-T. GRCh37 (hg19) VCF-style: chr17-48244791-C-T.
Other names: NM_000023.4(SGCA):c.100C>T; c.100C>T, p.Arg34Cys (NM_001135697.3); c.100C>T (NM_000023.3); short protein forms R34C.
Identifiers: ClinVar variation 217250 (VCV000217250.24), dbSNP rs758647756, ClinGen allele CA210084.